The following is an entry in ClinVar:

NM_003072.5(SMARCA4):c.4534-10T>C

Gene: SMARCA4 (SWI/SNF related BAF chromatin remodeling complex subunit ATPase 4; plus strand). Cytogenetic location: 19p13.2.
Variant type: single nucleotide variant.
Coding change: c.4534-10T>C on transcript NM_003072.5 (MANE Select); 10 bases into the intron before coding-DNA position 4534, T replaced by C.
Molecular consequence: intron variant.
Genome position (GRCh38, 1-based): chr19:11,058,778, T>C. VCF-style: chr19-11058778-T-C. GRCh37 (hg19) VCF-style: chr19-11169454-T-C.
Other names: c.4534-10T>C (NM_001128844.3); c.4630-10T>C (NM_001128849.3, NM_001387283.1); c.4435-10T>C (NM_001128847.4, NM_001374457.1); c.4444-10T>C (NM_001128845.2); c.4441-10T>C (NM_001128846.2); c.4432-10T>C (NM_001128848.2).
Identifiers: ClinVar variation 1084985 (VCV001084985.10), dbSNP rs2076690554, ClinGen allele CA993520693.

ClinVar aggregate classification (germline): Likely benign. Review status: criteria provided, multiple submitters, no conflicts (2 of 4 stars). 2 submissions from 2 submitters: Likely benign (2). Last evaluated 2026-07-08.

Conditions:
Rhabdoid tumor predisposition syndrome 2 (RTPS2). Identifiers: Orphanet 231108, Orphanet 69077, MedGen C2750074, MONDO:0013224, OMIM 613325.

Allele frequency attached by ClinVar (database versions not stated): TOPMed below 0.00001; gnomAD 0.00001.
gnomAD v4.1: 1 of 1,612,558 alleles (0.000062%); highest among the groups gnomAD compares: Non-Finnish European, 0.000085%; no homozygotes.

Submissions (2):

Myriad Genetics, Inc.
Classification: Likely benign for Rhabdoid tumor predisposition syndrome 2. Last evaluated: 2026-07-08. Review status: criteria provided, single submitter. Criteria: Myriad Autosomal Dominant, Autosomal Recessive and X-Linked Classification Criteria (2023). Collection method: clinical testing. Allele origin: unknown.
Comment: This variant is considered likely benign. This variant is intronic and is not expected to impact mRNA splicing.

Labcorp Genetics (formerly Invitae), Labcorp
Classification: Likely benign for Rhabdoid tumor predisposition syndrome 2. Last evaluated: 2022-05-07. Review status: criteria provided, single submitter. Criteria: Invitae Variant Classification Sherloc (09022015). Collection method: clinical testing. Allele origin: germline.